The following is an entry in ClinVar:

NM_001080517.3(SETD5):c.1314_1315del (p.Glu438fs)

Gene: SETD5 (SET domain containing 5; plus strand). Cytogenetic location: 3p25.3.
Variant type: Microsatellite.
Coding change: c.1314_1315del on transcript NM_001080517.3 (MANE Select); coding-DNA positions 1314 to 1315, 2 bases deleted (GA; older notation c.1314_1315delGA).
Protein change: p.Glu438fs; shifts the reading frame from glutamic acid 438.
Molecular consequence: frameshift variant.
Genome position (GRCh38, 1-based): chr3:9,445,174-9,445,175, GA deleted; deleting any 2 consecutive bases within chr3:9,445,171-9,445,175 gives the same sequence; the c. name uses the placement nearest the transcript's 3' end. VCF-style (leftmost placement, unchanged base first): chr3-9445170-CAG-C. GRCh37 (hg19) VCF-style: chr3-9486854-CAG-C.
Other names: c.1020_1021del, p.Glu340fs (NM_001292043.2, NM_001349451.2); short protein forms E340fs, E438fs.
Identifiers: ClinVar variation 1711562 (VCV001711562.30), dbSNP rs2472828764, ClinGen allele CA2580614127.

ClinVar aggregate classification (germline): Pathogenic (1 of 4 stars; one submission).

Submission:

CeGaT Center for Human Genetics Tuebingen
Classification: Pathogenic. Last evaluated: 2022-08-01. Review status: criteria provided, single submitter. Criteria: CeGaT Center For Human Genetics Tuebingen Variant Classification Criteria Version 2. Collection method: clinical testing. Allele origin: germline. Affected: yes. Observed: 1 variant allele.
Comment: SETD5: PVS1, PM2